The following is an entry in ClinVar:

NM_002691.4(POLD1):c.837G>T (p.Glu279Asp)

Gene: POLD1 (DNA polymerase delta 1, catalytic subunit; plus strand). Cytogenetic location: 19q13.33.
Variant type: single nucleotide variant.
Coding change: c.837G>T on transcript NM_002691.4 (MANE Select); coding-DNA position 837, G replaced by T.
Protein change: p.Glu279Asp; replaces glutamic acid 279 with aspartic acid.
Molecular consequence: missense variant. On other transcripts: non-coding transcript variant (1).
Genome position (GRCh38, 1-based): chr19:50,402,532, G>T. VCF-style: chr19-50402532-G-T. GRCh37 (hg19) VCF-style: chr19-50905789-G-T.
Other names: c.837G>T, p.Glu279Asp (NM_001256849.1, NM_001308632.1); c.837G>T (NM_002691.2); short protein forms E279D.
Identifiers: ClinVar variation 1013676 (VCV001013676.9), dbSNP rs929578064, ClinGen allele CA309599802.

ClinVar aggregate classification (germline): Uncertain significance. Review status: criteria provided, multiple submitters, no conflicts (2 of 4 stars). 2 submissions from 2 submitters: Uncertain significance (2). Last evaluated 2025-05-27.

Conditions:
Hereditary cancer-predisposing syndrome. Also called: Tumor predisposition; Hereditary Cancer Syndrome; Hereditary neoplastic syndrome; Neoplastic Syndromes, Hereditary. Identifiers: Orphanet 140162, MedGen C0027672, MeSH D009386, MONDO:0015356.
POLD1-related polyposis and colorectal cancer syndrome (CRCS10). Also called: Colorectal cancer 10; COLORECTAL CANCER, SUSCEPTIBILITY TO, ON CHROMOSOME 19q; Colorectal cancer, susceptibility to, 10. Identifiers: Orphanet 220460, MedGen C2675481, MONDO:0012953, OMIM 612591.

Allele frequency attached by ClinVar (database versions not stated): gnomAD exomes below 0.00001 and 0.00001.
gnomAD v4.1: 2 of 1,597,562 alleles (0.00013%); highest among the groups gnomAD compares: Admixed American, 0.0035%; no homozygotes.

Submissions (2):

Ambry Genetics
Classification: Uncertain significance for Hereditary cancer-predisposing syndrome. Last evaluated: 2025-05-27. Review status: criteria provided, single submitter. Criteria: Ambry Variant Classification Scheme 2023. Collection method: clinical testing. Allele origin: germline.
Comment: The p.E279D variant (also known as c.837G>T), located in coding exon 6 of the POLD1 gene, results from a G to T substitution at nucleotide position 837. The glutamic acid at codon 279 is replaced by aspartic acid, an amino acid with highly similar properties. This amino acid position is conserved. In addition, this alteration is predicted to be tolerated by in silico analysis. Based on the available evidence, the clinical significance of this variant remains unclear.

Labcorp Genetics (formerly Invitae), Labcorp
Classification: Uncertain significance for POLD1-related polyposis and colorectal cancer syndrome. Last evaluated: 2024-04-15. Review status: criteria provided, single submitter. Criteria: Invitae Variant Classification Sherloc (09022015). Collection method: clinical testing. Allele origin: germline.
Comment: This sequence change replaces glutamic acid, which is acidic and polar, with aspartic acid, which is acidic and polar, at codon 279 of the POLD1 protein (p.Glu279Asp). The frequency data for this variant in the population databases is considered unreliable, as metrics indicate poor data quality at this position in the gnomAD database. This variant has not been reported in the literature in individuals affected with POLD1-related conditions. ClinVar contains an entry for this variant (Variation ID: 1013676). Advanced modeling of protein sequence and biophysical properties (such as structural, functional, and spatial information, amino acid conservation, physicochemical variation, residue mobility, and thermodynamic stability) performed at Invitae indicates that this missense variant is not expected to disrupt POLD1 protein function with a negative predictive value of 80%. In summary, the available evidence is currently insufficient to determine the role of this variant in disease. Therefore, it has been classified as a Variant of Uncertain Significance.